The following is an entry in ClinVar:

ClinVar aggregate classification (germline): Benign. Review status: criteria provided, multiple submitters, no conflicts (2 of 4 stars). 2 submissions from 2 submitters: Benign (2). Last evaluated 2024-01-24.

Submissions (2):

Unidad de Genómica Garrahan, Hospital de Pediatría Garrahan
Classification: Benign. Last evaluated: 2024-01-24. Review status: criteria provided, single submitter. Criteria: ACMG Guidelines, 2015. Collection method: clinical testing. Allele origin: germline. Affected: no. Observed: 27 variant alleles.
Comment: This variant is classified as Benign based on local population frequency. This variant was detected in 28% of patients studied by a panel of primary immunodeficiencies. Number of patients: 27. Only high quality variants are reported.

GeneDx
Classification: Benign. Last evaluated: 2018-11-10. Review status: criteria provided, single submitter. Criteria: GeneDx Variant Classification Process June 2021. Collection method: clinical testing. Allele origin: germline. Affected: yes.

NM_013314.4(BLNK):c.1095+65_1095+67del

Genes: BLNK (B cell linker; minus strand), ZNF518A (zinc finger protein 518A; plus strand). Cytogenetic location: 10q24.1.
Variant type: Microsatellite.
Coding change: c.1095+65_1095+67del on transcript NM_013314.4 (MANE Select); bases 65 to 67 of the intron after coding-DNA position 1095, 3 bases deleted (ATG; older notation c.1095+65_1095+67delATG).
Molecular consequence: intron variant.
Genome position (GRCh38, 1-based): chr10:96,200,008-96,200,010, CAT deleted on the plus strand (ATG on the coding strand, the reverse complement: BLNK is on the minus strand); deleting any 3 consecutive bases within chr10:96,200,008-96,200,014 gives the same sequence; the c. name uses the placement nearest the transcript's 3' end. VCF-style (leftmost placement, unchanged base first): chr10-96200007-GCAT-G. GRCh37 (hg19) VCF-style: chr10-97959763-GCAT-G.
Other names: c.780+65_780+67del (NM_001258442.2); c.1026+65_1026+67del (NM_001258441.2, NM_001114094.2); c.1095+65_1095+67del (NM_001258440.2).
Identifiers: ClinVar variation 1274806 (VCV001274806.3), dbSNP rs60301802, ClinGen allele CA471041540.